The following is an entry in ClinVar:

NM_006904.7(PRKDC):c.11048G>A (p.Cys3683Tyr)

Gene: PRKDC (protein kinase, DNA-activated, catalytic subunit; minus strand). Cytogenetic location: 8q11.21.
Variant type: single nucleotide variant.
Coding change: c.11048G>A on transcript NM_006904.7 (MANE Select); coding-DNA position 11048, G replaced by A.
Protein change: p.Cys3683Tyr; replaces cysteine 3683 with tyrosine.
Molecular consequence: missense variant.
Genome position (GRCh38, 1-based): chr8:47,785,172, C>T on the plus strand (G>A on the coding strand, the complement: PRKDC is on the minus strand). VCF-style: chr8-47785172-C-T. GRCh37 (hg19) VCF-style: chr8-48697733-C-T.
Other names: c.11048G>A, p.Cys3683Tyr (NM_001081640.2); short protein forms C3683Y.
Identifiers: ClinVar variation 475215 (VCV000475215.5), dbSNP rs148018130, ClinGen allele CA4739202.

ClinVar aggregate classification (germline): Uncertain significance (1 of 4 stars; one submission).

Conditions:
Severe combined immunodeficiency due to DNA-PKcs deficiency. Also called: IMMUNODEFICIENCY 26 WITH NEUROLOGIC ABNORMALITIES; Immunodeficiency 26 with or without neurologic abnormalities. Identifiers: Orphanet 317425, MedGen C4014833, MONDO:0014423, OMIM 615966.

Allele frequency attached by ClinVar (database versions not stated): gnomAD 0.00010; gnomAD exomes 0.00013 and 0.00016; 1000 Genomes Project 30x 0.00016; ExAC 0.00017; 1000 Genomes Project 0.00020; TOPMed 0.00028; ESP Exome Variant Server 0.00034.

Submission:

Labcorp Genetics (formerly Invitae), Labcorp
Classification: Uncertain significance for Severe combined immunodeficiency due to DNA-PKcs deficiency. Last evaluated: 2022-10-05. Review status: criteria provided, single submitter. Criteria: Invitae Variant Classification Sherloc (09022015). Collection method: clinical testing. Allele origin: germline.
Comment: This sequence change replaces cysteine, which is neutral and slightly polar, with tyrosine, which is neutral and polar, at codon 3683 of the PRKDC protein (p.Cys3683Tyr). This variant is present in population databases (rs148018130, gnomAD 0.03%). This variant has not been reported in the literature in individuals affected with PRKDC-related conditions. ClinVar contains an entry for this variant (Variation ID: 475215). Algorithms developed to predict the effect of missense changes on protein structure and function output the following: SIFT: "Not Available"; PolyPhen-2: "Not Available"; Align-GVGD: "Not Available". The tyrosine amino acid residue is found in multiple mammalian species, which suggests that this missense change does not adversely affect protein function. In summary, the available evidence is currently insufficient to determine the role of this variant in disease. Therefore, it has been classified as a Variant of Uncertain Significance.